The following is an entry in ClinVar:

ClinVar aggregate classification (germline): Uncertain significance (1 of 4 stars; one submission).

Conditions:
Combined immunodeficiency due to ZAP70 deficiency (IMD48). Also called: ZAP70 Deficiency; Immunodeficiency 48. Identifiers: Orphanet 911, MedGen C2931299, MONDO:0010023, OMIM 269840.

Submission:

Labcorp Genetics (formerly Invitae), Labcorp
Classification: Uncertain significance for Combined immunodeficiency due to ZAP70 deficiency. Last evaluated: 2019-10-09. Review status: criteria provided, single submitter. Criteria: Invitae Variant Classification Sherloc (09022015). Collection method: clinical testing. Allele origin: germline.
Comment: In summary, the available evidence is currently insufficient to determine the role of this variant in disease. Therefore, it has been classified as a Variant of Uncertain Significance. This variant has not been reported in the literature in individuals with ZAP70-related conditions. This variant is a gross deletion of the genomic region encompassing exons 11-14 of the ZAP70 gene. The 5' boundary is likely confined to intron 10. The 3' end of this event is unknown as it extends through the termination codon beyond the assayed region for this gene and may encompass additional genes. While this deletion is not anticipated to result in nonsense mediated decay, it is expected to create a truncated protein product or disrupt mRNA translation.

NC_000002.12:g.(?_97737453)_(97739518_?)del

Gene: ZAP70 (zeta chain of T cell receptor associated protein kinase 70; plus strand). Cytogenetic location: 2q11.2.
Variant type: Deletion.
Identifiers: ClinVar variation 831747 (VCV000831747.3).